The following is an entry in ClinVar:

ClinVar aggregate classification (germline): Uncertain significance (1 of 4 stars; one submission).

Conditions:
Joubert syndrome. Also called: CEREBELLOPARENCHYMAL DISORDER IV; JOUBERT-BOLTSHAUSER SYNDROME; Familial aplasia of the vermis. Identifiers: Orphanet 475, MedGen C5979921, MONDO:0018772.

Allele frequency attached by ClinVar (database versions not stated): gnomAD exomes below 0.00001; gnomAD 0.00001; ExAC 0.00002; ESP Exome Variant Server 0.00008.
gnomAD v4.1: 6 of 1,609,216 alleles (0.00037%); highest among the groups gnomAD compares: Admixed American, 0.0017%; no homozygotes.

Submission:

Labcorp Genetics (formerly Invitae), Labcorp
Classification: Uncertain significance for Joubert syndrome. Last evaluated: 2022-05-29. Review status: criteria provided, single submitter. Criteria: Invitae Variant Classification Sherloc (09022015). Collection method: clinical testing. Allele origin: germline.
Comment: This sequence change replaces leucine, which is neutral and non-polar, with proline, which is neutral and non-polar, at codon 493 of the INPP5E protein (p.Leu493Pro). This variant is present in population databases (rs374083402, gnomAD 0.003%). This variant has not been reported in the literature in individuals affected with INPP5E-related conditions. Advanced modeling of protein sequence and biophysical properties (such as structural, functional, and spatial information, amino acid conservation, physicochemical variation, residue mobility, and thermodynamic stability) performed at Invitae indicates that this missense variant is expected to disrupt INPP5E protein function. In summary, the available evidence is currently insufficient to determine the role of this variant in disease. Therefore, it has been classified as a Variant of Uncertain Significance.

NM_019892.6(INPP5E):c.1478T>C (p.Leu493Pro)

Gene: INPP5E (inositol polyphosphate-5-phosphatase E; minus strand). Cytogenetic location: 9q34.3.
Variant type: single nucleotide variant.
Coding change: c.1478T>C on transcript NM_019892.6 (MANE Select); coding-DNA position 1478, T replaced by C.
Protein change: p.Leu493Pro; replaces leucine 493 with proline.
Molecular consequence: missense variant.
Genome position (GRCh38, 1-based): chr9:136,431,895, A>G on the plus strand (T>C on the coding strand, the complement: INPP5E is on the minus strand). VCF-style: chr9-136431895-A-G. GRCh37 (hg19) VCF-style: chr9-139326347-A-G.
Other names: c.1475T>C, p.Leu492Pro (NM_001318502.2); short protein forms L492P, L493P.
Identifiers: ClinVar variation 2154413 (VCV002154413.1), dbSNP rs374083402, ClinGen allele CA5336781.